The following is an entry in ClinVar:

NM_004456.5(EZH2):c.9G>C (p.Gln3His)

Gene: EZH2 (enhancer of zeste 2 polycomb repressive complex 2 subunit; minus strand). Cytogenetic location: 7q36.1.
Variant type: single nucleotide variant.
Coding change: c.9G>C on transcript NM_004456.5 (MANE Select); coding-DNA position 9, G replaced by C.
Protein change: p.Gln3His; replaces glutamine 3 with histidine.
Molecular consequence: missense variant.
Genome position (GRCh38, 1-based): chr7:148,847,290, C>G on the plus strand (G>C on the coding strand, the complement: EZH2 is on the minus strand). VCF-style: chr7-148847290-C-G. GRCh37 (hg19) VCF-style: chr7-148544382-C-G.
Other names: c.9G>C, p.Gln3His (NM_001203247.2, NM_001203248.2, NM_001203249.2 and 1 more transcripts); short protein forms Q3H.
Identifiers: ClinVar variation 947390 (VCV000947390.10), dbSNP rs1359374351, ClinGen allele CA369708628.
Genomic context (GRCh38, chr7:148,847,290, plus strand): 5'-GTACTCTGATTTTACACGCTTCCGCCAACAAACTGGTCCCTTCTCAGATTTCTTCCCAGT[C>G]TGGCCCATGATTATTCTAAAAGCAATGGTTTCATATTAAAATCACTAATCTAACCAGCCT-3'
Protein context (NP_004447.2, residues 1-13): MG[Gln3His]TGKKSEKGPV

ClinVar aggregate classification (germline): Uncertain significance (1 of 4 stars; one submission).

Conditions:
Weaver syndrome (WVS). Also called: Weaver Smith syndrome; Overgrowth syndrome with accelerated skeletal maturation, unusual facies, and camptodactyly. Identifiers: Orphanet 3447, MedGen C0265210, MONDO:0010193, OMIM 277590.

Allele frequency attached by ClinVar (database versions not stated): gnomAD exomes below 0.00001; TOPMed below 0.00001.
gnomAD v4.1: 2 of 1,613,776 alleles (0.00012%); highest among the groups gnomAD compares: Non-Finnish European, 0.00017%; no homozygotes.

Submission:

Labcorp Genetics (formerly Invitae), Labcorp
Classification: Uncertain significance for Weaver syndrome. Last evaluated: 2019-06-19. Review status: criteria provided, single submitter. Criteria: Invitae Variant Classification Sherloc (09022015). Collection method: clinical testing. Allele origin: germline.
Comment: In summary, the available evidence is currently insufficient to determine the role of this variant in disease. Therefore, it has been classified as a Variant of Uncertain Significance. Algorithms developed to predict the effect of missense changes on protein structure and function (SIFT, PolyPhen-2, Align-GVGD) all suggest that this variant is likely to be tolerated, but these predictions have not been confirmed by published functional studies and their clinical significance is uncertain. This variant has not been reported in the literature in individuals with EZH2-related conditions. This variant is not present in population databases (ExAC no frequency). This sequence change replaces glutamine with histidine at codon 3 of the EZH2 protein (p.Gln3His). The glutamine residue is moderately conserved and there is a small physicochemical difference between glutamine and histidine.